The following is an entry in ClinVar:

NM_203447.4(DOCK8):c.3407C>G (p.Ser1136Cys)

Gene: DOCK8 (dedicator of cytokinesis 8; plus strand). Cytogenetic location: 9p24.3.
Variant type: single nucleotide variant.
Coding change: c.3407C>G on transcript NM_203447.4 (MANE Select); coding-DNA position 3407, C replaced by G.
Protein change: p.Ser1136Cys; replaces serine 1136 with cysteine.
Molecular consequence: missense variant.
Genome position (GRCh38, 1-based): chr9:406,946, C>G. VCF-style: chr9-406946-C-G. GRCh37 (hg19) VCF-style: chr9-406946-C-G.
Other names: c.3107C>G, p.Ser1036Cys (NM_001190458.2); c.3203C>G, p.Ser1068Cys (NM_001193536.2); short protein forms S1036C, S1068C, S1136C.
Identifiers: ClinVar variation 1371254 (VCV001371254.5), dbSNP rs757691929, ClinGen allele CA4958683.
Genomic context (GRCh38, chr9:406,946, plus strand): 5'-TCCAGTTCTTGTGGCTCATAAAATGGCTCCTTACGTTTCTGTAGAACTCAAGCTCCTGCT[C>G]CAGCTTCCAGGACCAGAAGATCGCCAGCATGTTCGATCTGACTTCCGAGTACCGCCAGCA-3'
Protein context (NP_982272.2, residues 1126-1146): SISSQNSSSC[Ser1136Cys]SFQDQKIASM

ClinVar aggregate classification (germline): Uncertain significance (1 of 4 stars; one submission).

Allele frequency attached by ClinVar (database versions not stated): TOPMed 0.00001; gnomAD exomes 0.00003 and 0.00006; gnomAD 0.00005; ExAC 0.00007.

Submission:

Labcorp Genetics (formerly Invitae), Labcorp
Classification: Uncertain significance for Combined immunodeficiency due to DOCK8 deficiency. Last evaluated: 2024-11-11. Review status: criteria provided, single submitter. Criteria: Invitae Variant Classification Sherloc (09022015). Collection method: clinical testing. Allele origin: germline.
Comment: This sequence change replaces serine, which is neutral and polar, with cysteine, which is neutral and slightly polar, at codon 1136 of the DOCK8 protein (p.Ser1136Cys). This variant is present in population databases (rs757691929, gnomAD 0.04%). This variant has not been reported in the literature in individuals affected with DOCK8-related conditions. ClinVar contains an entry for this variant (Variation ID: 1371254). Invitae Evidence Modeling of protein sequence and biophysical properties (such as structural, functional, and spatial information, amino acid conservation, physicochemical variation, residue mobility, and thermodynamic stability) has been performed for this missense variant. However, the output from this modeling did not meet the statistical confidence thresholds required to predict the impact of this variant on DOCK8 protein function. In summary, the available evidence is currently insufficient to determine the role of this variant in disease. Therefore, it has been classified as a Variant of Uncertain Significance.